The following is an entry in ClinVar:

NM_001370466.1(NOD2):c.659G>T (p.Cys220Phe)

Gene: NOD2 (nucleotide binding oligomerization domain containing 2; plus strand). Cytogenetic location: 16q12.1.
Variant type: single nucleotide variant.
Coding change: c.659G>T on transcript NM_001370466.1 (MANE Select); coding-DNA position 659, G replaced by T.
Protein change: p.Cys220Phe; replaces cysteine 220 with phenylalanine.
Molecular consequence: missense variant. On other transcripts: non-coding transcript variant (1).
Genome position (GRCh38, 1-based): chr16:50,710,651, G>T. VCF-style: chr16-50710651-G-T. GRCh37 (hg19) VCF-style: chr16-50744562-G-T.
Other names: c.659G>T, p.Cys220Phe (NM_001293557.2); c.740G>T, p.Cys247Phe (NM_022162.3); c.740G>T (NM_022162.1); short protein forms C220F, C247F.
Identifiers: ClinVar variation 936769 (VCV000936769.9), dbSNP rs752210177, ClinGen allele CA8051387.
Genomic context (GRCh38, chr16:50,710,651, plus strand): 5'-GGACCACGGTGTCTGCTCAGTCTCGCTTCCTCAGTACCTATGATGGAGCAGAGACGCTCT[G>T]CCTGGAGGACATATACACAGAGAATGTCCTGGAGGTCTGGGCAGATGTGGGCATGGCTGG-3'
Protein context (NP_001357395.1, residues 210-230): LSTYDGAETL[Cys220Phe]LEDIYTENVL

ClinVar aggregate classification (germline): Uncertain significance. Review status: criteria provided, multiple submitters, no conflicts (2 of 4 stars). 2 submissions from 2 submitters: Uncertain significance (2). Last evaluated 2023-12-31.

Conditions:
Blau syndrome (BLAUS). Also called: ARTHROCUTANEOUVEAL GRANULOMATOSIS; GRANULOMATOSIS, FAMILIAL JUVENILE SYSTEMIC; GRANULOMATOSIS, FAMILIAL, BLAU TYPE; GRANULOMATOUS INFLAMMATORY ARTHRITIS, DERMATITIS, AND UVEITIS, FAMILIAL; JABS SYNDROME. Identifiers: Orphanet 90340, MedGen C5201146, MONDO:0008523, OMIM 186580.
Regional enteritis. Also called: Enteritis, Granulomatous. Identifiers: MedGen C0678202, MeSH D003424.
Inborn genetic diseases. Identifiers: MedGen C0950123, MeSH D030342.

Allele frequency attached by ClinVar (database versions not stated): TOPMed below 0.00001; ExAC 0.00001; gnomAD exomes 0.00001.
gnomAD v4.1: 2 of 1,614,216 alleles (0.00012%); highest among the groups gnomAD compares: Admixed American, 0.0033%; no homozygotes.

Submissions (2):

Labcorp Genetics (formerly Invitae), Labcorp
Classification: Uncertain significance for Regional enteritis; Blau syndrome. Last evaluated: 2023-12-31. Review status: criteria provided, single submitter. Criteria: Invitae Variant Classification Sherloc (09022015). Collection method: clinical testing. Allele origin: germline.
Comment: This sequence change replaces cysteine, which is neutral and slightly polar, with phenylalanine, which is neutral and non-polar, at codon 247 of the NOD2 protein (p.Cys247Phe). This variant is present in population databases (rs752210177, gnomAD 0.006%). This variant has not been reported in the literature in individuals affected with NOD2-related conditions. ClinVar contains an entry for this variant (Variation ID: 936769). Advanced modeling of protein sequence and biophysical properties (such as structural, functional, and spatial information, amino acid conservation, physicochemical variation, residue mobility, and thermodynamic stability) performed at Invitae indicates that this missense variant is not expected to disrupt NOD2 protein function with a negative predictive value of 95%. In summary, the available evidence is currently insufficient to determine the role of this variant in disease. Therefore, it has been classified as a Variant of Uncertain Significance.

Ambry Genetics
Classification: Uncertain significance for Inborn genetic diseases. Last evaluated: 2023-11-21. Review status: criteria provided, single submitter. Criteria: Ambry Variant Classification Scheme 2023. Collection method: clinical testing. Allele origin: germline.